The following is an entry in ClinVar:

ClinVar aggregate classification (germline): Uncertain significance. Review status: criteria provided, multiple submitters, no conflicts (2 of 4 stars). 2 submissions from 2 submitters: Uncertain significance (2). Last evaluated 2026-01-19.

Conditions:
Inborn genetic diseases. Identifiers: MedGen C0950123, MeSH D030342.
Hereditary spastic paraplegia 11. Also called: Nakamura Osame syndrome; Autosomal recessive hereditary spastic paraplegia, mental impairment, and thin corpus callosum; SPASTIC PARAPLEGIA, AUTOSOMAL RECESSIVE, COMPLICATED, WITH THIN CORPUS CALLOSUM; SPASTIC PARAPLEGIA, AUTOSOMAL RECESSIVE, WITH MENTAL IMPAIRMENT AND THIN CORPUS CALLOSUM; Spastic Paraplegia 11; Spastic paraplegia, mental retardation and thin corpus callosum. Identifiers: Orphanet 2822, MedGen C1858479, MONDO:0011445, OMIM 604360.

Allele frequency attached by ClinVar (database versions not stated): gnomAD 0.00001; gnomAD exomes 0.00001; ExAC 0.00002; TOPMed 0.00002.
gnomAD v4.1: 12 of 1,613,890 alleles (0.00074%); highest among the groups gnomAD compares: Admixed American, 0.018%; no homozygotes.

Submissions (2):

Labcorp Genetics (formerly Invitae), Labcorp
Classification: Uncertain significance for Hereditary spastic paraplegia 11. Last evaluated: 2026-01-19. Review status: criteria provided, single submitter. Criteria: Invitae Variant Classification Sherloc (09022015). Collection method: clinical testing. Allele origin: germline.
Comment: This sequence change replaces isoleucine, which is neutral and non-polar, with valine, which is neutral and non-polar, at codon 1359 of the SPG11 protein (p.Ile1359Val). This variant is present in population databases (rs779818634, gnomAD 0.02%). This variant has not been reported in the literature in individuals affected with SPG11-related conditions. ClinVar contains an entry for this variant (Variation ID: 1737578). Invitae Evidence Modeling of protein sequence and biophysical properties (such as structural, functional, and spatial information, amino acid conservation, physicochemical variation, residue mobility, and thermodynamic stability) indicates that this missense variant is not expected to disrupt SPG11 protein function with a negative predictive value of 80%. In summary, the available evidence is currently insufficient to determine the role of this variant in disease. Therefore, it has been classified as a Variant of Uncertain Significance.

Ambry Genetics
Classification: Uncertain significance for Inborn genetic diseases. Last evaluated: 2021-06-10. Review status: criteria provided, single submitter. Criteria: Ambry Variant Classification Scheme 2023. Collection method: clinical testing. Allele origin: germline.
Comment: The p.I1359V variant (also known as c.4075A>G), located in coding exon 24 of the SPG11 gene, results from an A to G substitution at nucleotide position 4075. The isoleucine at codon 1359 is replaced by valine, an amino acid with highly similar properties. This amino acid position is poorly conserved in available vertebrate species. In addition, this alteration is predicted to be tolerated by in silico analysis. Since supporting evidence is limited at this time, the clinical significance of this alteration remains unclear.

NM_025137.4(SPG11):c.4075A>G (p.Ile1359Val)

Gene: SPG11 (SPG11 vesicle trafficking associated, spatacsin; minus strand). Cytogenetic location: 15q21.1.
Variant type: single nucleotide variant.
Coding change: c.4075A>G on transcript NM_025137.4 (MANE Select); coding-DNA position 4075, A replaced by G.
Protein change: p.Ile1359Val; replaces isoleucine 1359 with valine.
Molecular consequence: missense variant.
Genome position (GRCh38, 1-based): chr15:44,596,870, T>C on the plus strand (A>G on the coding strand, the complement: SPG11 is on the minus strand). VCF-style: chr15-44596870-T-C. GRCh37 (hg19) VCF-style: chr15-44889068-T-C.
Other names: c.4075A>G, p.Ile1359Val (NM_001160227.2, NM_001411132.1); short protein forms I1359V.
Identifiers: ClinVar variation 1737578 (VCV001737578.5), dbSNP rs779818634, ClinGen allele CA7534770.